The following is an entry in ClinVar:

NM_006421.5(ARFGEF1):c.5481dup (p.Leu1828fs)

Gene: ARFGEF1 (ARF guanine nucleotide exchange factor 1; minus strand). Cytogenetic location: 8q13.2.
Variant type: Duplication.
Coding change: c.5481dup on transcript NM_006421.5 (MANE Select); coding-DNA position 5481, one base duplicated (T; older notation c.5481dupT).
Protein change: p.Leu1828fs; shifts the reading frame from leucine 1828.
Molecular consequence: frameshift variant. On other transcripts: non-coding transcript variant (1), intron variant (2).
Genome position (GRCh38, 1-based): chr8:67,199,003, A duplicated on the plus strand (T on the coding strand, the reverse complement: ARFGEF1 is on the minus strand); the first of 6 consecutive A bases (chr8:67,199,003-67,199,008); duplicating any one gives the same sequence. VCF-style (leftmost placement, unchanged base first): chr8-67199002-G-GA. GRCh37 (hg19) VCF-style: chr8-68111237-G-GA.
Other names: c.5481dup, p.Leu1828fs (NM_001413184.1); c.5463dup, p.Leu1822fs (NM_001413185.1, NM_001413189.1); c.4881dup, p.Leu1628fs (NM_001413188.1, NM_001413197.1); c.5475dup, p.Leu1826fs (NM_001413190.1); c.5385dup, p.Leu1796fs (NM_001413191.1); c.5367dup, p.Leu1790fs (NM_001413192.1); c.4056dup, p.Leu1353fs (NM_001413196.1); c.5367+1393dup (NM_001413186.1); and 2 more; short protein forms L1353fs, L1628fs, L1790fs, L1796fs, L1822fs, L1826fs, L1828fs.
Identifiers: ClinVar variation 3362819 (VCV003362819.4).

ClinVar aggregate classification (germline): Uncertain significance. Review status: criteria provided, multiple submitters, no conflicts (2 of 4 stars). 2 submissions from 2 submitters: Uncertain significance (2). Last evaluated 2025-05-05.

Conditions:
Developmental delay, impaired speech, and behavioral abnormalities, with or without seizures (DEDISB). Identifiers: MedGen C5575272, MONDO:0859263, OMIM 619964.

Submissions (2):

GeneDx
Classification: Uncertain significance. Last evaluated: 2025-05-05. Review status: criteria provided, single submitter. Criteria: GeneDx Variant Classification Process June 2021. Collection method: clinical testing. Allele origin: germline. Affected: yes.
Comment: Not observed at significant frequency in large population cohorts (gnomAD); Frameshift variant predicted to result in abnormal protein length as the last 22 amino acids are replaced with 13 different amino acids; Has not been previously published as pathogenic or benign to our knowledge

Neuberg Centre For Genomic Medicine, NCGM
Classification: Uncertain significance for Developmental delay, impaired speech, and behavioral abnormalities, with or without seizures. Last evaluated: 2023-06-02. Review status: criteria provided, single submitter. Criteria: ACMG Guidelines, 2015. Collection method: clinical testing. Allele origin: germline. Inheritance: Autosomal dominant inheritance. Affected: yes.
Comment: The frameshift variant c.5481dup (p.Leu1828SerfsTer14) in the LIAS gene has not been reported previously as a pathogenic variant nor as a benign variant, to our knowledge. The variant is absent in the gnomAD Exomes. This variant causes a frameshift starting with codon Leucine 1828, changes this amino acid to Serine residue, and creates a premature Stop codon at position 14 of the new reading frame. This variant is predicted to cause a loss of normal protein function through protein truncation. Loss of function variants have been previously reported to be disease causing (Thomas et al., 2021). However, since this variant is present in the penultimate exon functional studies will be required to prove its pathogenicity. For these reasons, this variant has been classified as Uncertain Significance.